The following is an entry in ClinVar:

ClinVar aggregate classification (germline): Uncertain significance. Review status: criteria provided, multiple submitters, no conflicts (2 of 4 stars). 2 submissions from 2 submitters: Uncertain significance (2). Last evaluated 2025-06-16.

Conditions:
Donnai-Barrow syndrome. Also called: DBS/FOAR SYNDROME; FACIOOCULOACOUSTICORENAL SYNDROME. Identifiers: Orphanet 2143, MedGen C1857277, MONDO:0009104, OMIM 222448.

Allele frequency attached by ClinVar (database versions not stated): TOPMed 0.00001; gnomAD 0.00003; 1000 Genomes Project 30x 0.00016; 1000 Genomes Project 0.00020.
gnomAD v4.1: 38 of 1,614,092 alleles (0.0024%); highest among the groups gnomAD compares: South Asian, 0.018%; no homozygotes.

Submissions (2):

Labcorp Genetics (formerly Invitae), Labcorp
Classification: Uncertain significance. Last evaluated: 2025-06-16. Review status: criteria provided, single submitter. Criteria: Invitae Variant Classification Sherloc (09022015). Collection method: clinical testing. Allele origin: germline.
Comment: This sequence change replaces arginine, which is basic and polar, with histidine, which is basic and polar, at codon 3498 of the LRP2 protein (p.Arg3498His). This variant is present in population databases (rs534940314, gnomAD 0.04%). This variant has not been reported in the literature in individuals affected with LRP2-related conditions. ClinVar contains an entry for this variant (Variation ID: 1940980). Invitae Evidence Modeling of protein sequence and biophysical properties (such as structural, functional, and spatial information, amino acid conservation, physicochemical variation, residue mobility, and thermodynamic stability) indicates that this missense variant is not expected to disrupt LRP2 protein function with a negative predictive value of 95%. In summary, the available evidence is currently insufficient to determine the role of this variant in disease. Therefore, it has been classified as a Variant of Uncertain Significance.

Fulgent Genetics
Classification: Uncertain significance for Donnai-Barrow syndrome. Last evaluated: 2024-04-11. Review status: criteria provided, single submitter. Criteria: ACMG Guidelines, 2015. Collection method: clinical testing. Allele origin: germline.

NM_004525.3(LRP2):c.10493G>A (p.Arg3498His)

Gene: LRP2 (LDL receptor related protein 2; minus strand). Cytogenetic location: 2q31.1.
Variant type: single nucleotide variant.
Coding change: c.10493G>A on transcript NM_004525.3 (MANE Select); coding-DNA position 10493, G replaced by A.
Protein change: p.Arg3498His; replaces arginine 3498 with histidine.
Molecular consequence: missense variant.
Genome position (GRCh38, 1-based): chr2:169,176,489, C>T on the plus strand (G>A on the coding strand, the complement: LRP2 is on the minus strand). VCF-style: chr2-169176489-C-T. GRCh37 (hg19) VCF-style: chr2-170032999-C-T.
Other names: short protein forms R3498H.
Identifiers: ClinVar variation 1940980 (VCV001940980.4), dbSNP rs534940314, ClinGen allele CA1953346.
Genomic context (GRCh38, chr2:169,176,489, plus strand): 5'-AGGAACTGGGTGCTGGAGCACATGGGCATGCAGTAGGTGCTGCCACTCAGCTGAAGGGTG[C>T]GGAAGTCATCTGGACACTCGCAAGTGAACCCTTTTCCTCCTGGCTTGATGAGGCAGAGAT-3'
Protein context (NP_004516.2, residues 3488-3508): GFTCECPDDF[Arg3498His]TLQLSGSTYC